The following is an entry in ClinVar:

ClinVar aggregate classification (germline): Uncertain significance (1 of 4 stars; one submission).

gnomAD v4.1: 1 of 1,613,796 alleles (0.000062%); highest among the groups gnomAD compares: Admixed American, 0.0017%; no homozygotes.

Submission:

Dasa
Classification: Uncertain significance. Last evaluated: 2024-06-17. Review status: criteria provided, single submitter. Criteria: DASA Assertion Criteria. Collection method: clinical testing. Allele origin: germline.
Comment: NM_020921.4(NIN):c.4930C>G (p.Leu1644Val) is a missense variant that results in the substitution of leucine with valine. This variant has been observed in affected individuals with NIN-related disorders. Also, this variant is rare in population databases. Computational prediction algorithms are consistent with a benign effect. The currently available literature and clinical evidence are not sufficient to establish a definitive association between this variant and the reported condition. Therefore, this variant is classified as a variant of uncertain significance.

NM_020921.4(NIN):c.4930C>G (p.Leu1644Val)

Gene: NIN (ninein; minus strand). Cytogenetic location: 14q22.1.
Variant type: single nucleotide variant.
Coding change: c.4930C>G on transcript NM_020921.4 (MANE Select); coding-DNA position 4930, C replaced by G.
Protein change: p.Leu1644Val; replaces leucine 1644 with valine.
Molecular consequence: missense variant.
Genome position (GRCh38, 1-based): chr14:50,752,538, G>C on the plus strand (C>G on the coding strand, the complement: NIN is on the minus strand). VCF-style: chr14-50752538-G-C. GRCh37 (hg19) VCF-style: chr14-51219256-G-C.
Other names: c.2791C>G, p.Leu931Val (NM_016350.5); c.4930C>G, p.Leu1644Val (NM_182944.3, NM_182946.2); short protein forms L1644V, L931V.
Identifiers: ClinVar variation 4885806 (VCV004885806.2).
Genomic context (GRCh38, chr14:50,752,538, plus strand): 5'-ATTTCCTCAAAAAAAGCTGTCAGGTGGCTACAGGCCATACCTGCACTTTACAACGTTCCA[G>C]TTCTTCTTTCAGATTAAACTTCTCTTGTTCCCGTTCCTCCAATGCACTGTTTCCTGGCTC-3'
Protein context (NP_065972.4, residues 1634-1654): EQEKFNLKEE[Leu1644Val]ERCKVQSSTL